The following is an entry in ClinVar:

NM_000153.4(GALC):c.750A>G (p.Ile250Met)

Gene: GALC (galactosylceramidase; minus strand). Cytogenetic location: 14q31.3.
Variant type: single nucleotide variant.
Coding change: c.750A>G on transcript NM_000153.4 (MANE Select); coding-DNA position 750, A replaced by G.
Protein change: p.Ile250Met; replaces isoleucine 250 with methionine.
Molecular consequence: missense variant.
Genome position (GRCh38, 1-based): chr14:87,976,360, T>C on the plus strand (A>G on the coding strand, the complement: GALC is on the minus strand). VCF-style: chr14-87976360-T-C. GRCh37 (hg19) VCF-style: chr14-88442704-T-C.
Other names: c.681A>G, p.Ile227Met (NM_001201401.2); c.672A>G, p.Ile224Met (NM_001201402.2); c.750A>G (NM_000153.3); short protein forms I224M, I227M, I250M.
Identifiers: ClinVar variation 1053266 (VCV001053266.7), dbSNP rs2140016054, ClinGen allele CA390749252.
Genomic context (GRCh38, chr14:87,976,360, plus strand): 5'-TCAATACACAGAGCAAGCAATCAGAAACTGCTAGTTTTCCAAGTAAAACATGCCTTACCC[T>C]ATAACATCAACCACCTTGAAGAGTTCGGCATCAAGGAGCATGGATGCAGAGATGGACTCC-3'
Protein context (NP_000144.2, residues 240-260): DAELFKVVDV[Ile250Met]GAHYPGTHSA

ClinVar aggregate classification (germline): Conflicting classifications of pathogenicity. Review status: criteria provided, conflicting classifications (1 of 4 stars). 2 submissions from 2 submitters: Likely pathogenic (1); Uncertain significance (1). Last evaluated 2024-08-22.

Conditions:
Galactosylceramide beta-galactosidase deficiency. Also called: Leukodystrophy, Globoid Cell; GALACTOCEREBROSIDASE DEFICIENCY; GALC DEFICIENCY; GLOBOID CELL LEUKOENCEPHALOPATHY; Krabbe Disease. Identifiers: Orphanet 487, MedGen C0023521, MONDO:0009499, OMIM 245200.

Allele frequency attached by ClinVar (database versions not stated): gnomAD exomes below 0.00001.
gnomAD v4.1: 1 of 1,613,950 alleles (0.000062%); highest among the groups gnomAD compares: Non-Finnish European, 0.000085%; no homozygotes.

Submissions (2):

Rady Children's Institute for Genomic Medicine, Rady Children's Hospital San Diego
Classification: Likely pathogenic for KRABBE DISEASE. Last evaluated: 2024-08-22. Review status: criteria provided, single submitter. Criteria: ACMG Guidelines, 2015. Collection method: clinical testing. Allele origin: germline. Affected: yes.
Comment: The c.750A>G (p.Ile250Met) variant affects a highly conserved amino acid and is predicted by multiple in silico tools to have a deleterious effect on protein function. This variant has not been previously reported or functionally characterized in the literature to our knowledge. A different amino acid change at the same residue (p.Ile250Thr) has been previously reported in individuals with Krabbe disease (PMID: 27442402, 20410102, 8940268). This variant is present in the latest version of the gnomAD population database at an allele frequency of 0.0001% (1/1613950), and is absent in the homozygous state, thus is presumed to be rare. Based on the available evidence, c.750A>G (p.Ile250Met) is classified as Likely Pathogenic.

Labcorp Genetics (formerly Invitae), Labcorp
Classification: Uncertain significance for Galactosylceramide beta-galactosidase deficiency. Last evaluated: 2021-08-26. Review status: criteria provided, single submitter. Criteria: Invitae Variant Classification Sherloc (09022015). Collection method: clinical testing. Allele origin: germline.
Comment: This sequence change replaces isoleucine with methionine at codon 250 of the GALC protein (p.Ile250Met). The isoleucine residue is highly conserved and there is a small physicochemical difference between isoleucine and methionine. This variant is not present in population databases (ExAC no frequency). This variant has not been reported in the literature in individuals affected with GALC-related conditions. Algorithms developed to predict the effect of missense changes on protein structure and function are either unavailable or do not agree on the potential impact of this missense change (SIFT: "Deleterious"; PolyPhen-2: "Possibly Damaging"; Align-GVGD: "Class C0"). This variant disrupts the p.Ile250 amino acid residue in GALC. Other variant(s) that disrupt this residue have been determined to be pathogenic (PMID: 8940268, 20410102, 27442402, 27638593). This suggests that this residue is clinically significant, and that variants that disrupt this residue are likely to be disease-causing. In summary, the available evidence is currently insufficient to determine the role of this variant in disease. Therefore, it has been classified as a Variant of Uncertain Significance.

Literature cited by the submitters: PubMed 8940268 (cited by Labcorp Genetics (formerly Invitae), Labcorp); PubMed 20410102 (cited by Labcorp Genetics (formerly Invitae), Labcorp); PubMed 27442402 (cited by Labcorp Genetics (formerly Invitae), Labcorp); PubMed 27638593 (cited by Labcorp Genetics (formerly Invitae), Labcorp).